The following is an entry in ClinVar:

ClinVar aggregate classification (germline): Likely benign. Review status: criteria provided, multiple submitters, no conflicts (2 of 4 stars). 3 submissions from 3 submitters: Likely benign (3). Last evaluated 2024-10-04.

Conditions:
Primary dilated cardiomyopathy (DCM). Also called: Dilated Cardiomyopathy. Identifiers: Orphanet 217604, MedGen C0007193, MeSH D002311, MONDO:0005021, HP:0001644. Inheritance: Various modes of inheritance.

Allele frequency attached by ClinVar (database versions not stated): TOPMed 0.00008; 1000 Genomes Project 30x 0.00016; 1000 Genomes Project 0.00020.
gnomAD v4.1: 33 of 1,580,874 alleles (0.0021%); highest among the groups gnomAD compares: African/African-American, 0.032%; no homozygotes.

Submissions (3):

Labcorp Genetics (formerly Invitae), Labcorp
Classification: Likely benign for Primary dilated cardiomyopathy. Last evaluated: 2024-10-04. Review status: criteria provided, single submitter. Criteria: Invitae Variant Classification Sherloc (09022015). Collection method: clinical testing. Allele origin: germline.

GeneDx
Classification: Likely benign. Last evaluated: 2018-04-17. Review status: criteria provided, single submitter. Criteria: GeneDx Variant Classification (06012015). Collection method: clinical testing. Allele origin: germline. Affected: yes.
Comment: This variant is considered likely benign or benign based on one or more of the following criteria: it is a conservative change, it occurs at a poorly conserved position in the protein, it is predicted to be benign by multiple in silico algorithms, and/or has population frequency not consistent with disease.

Laboratory for Molecular Medicine, Mass General Brigham Personalized Medicine
Classification: Likely benign. Last evaluated: 2014-07-24. Review status: criteria provided, single submitter. Criteria: LMM Criteria. Collection method: clinical testing. Allele origin: germline. Observed: 1 variant allele.
Comment: 480+10C>A in exon 5 of NEBL: This variant is not expected to have clinical signi ficance because it is not located within the splice consensus sequence.

NM_006393.3(NEBL):c.480+10C>A

Gene: NEBL (nebulette; minus strand). Cytogenetic location: 10p12.31.
Variant type: single nucleotide variant.
Coding change: c.480+10C>A on transcript NM_006393.3 (MANE Select); 10 bases into the intron after coding-DNA position 480, C replaced by A.
Molecular consequence: intron variant.
Genome position (GRCh38, 1-based): chr10:20,880,784, G>T on the plus strand (C>A on the coding strand, the complement: NEBL is on the minus strand). VCF-style: chr10-20880784-G-T. GRCh37 (hg19) VCF-style: chr10-21169713-G-T.
Other names: c.250-67844C>A (NM_001377326.1, NM_001377327.1, NM_001377328.1); c.358-67844C>A (NM_213569.2, NM_001173484.2, NM_001377322.1); c.301-67844C>A (NM_001377324.1); c.292-67844C>A (NM_001377325.1); c.310-67844C>A (NM_001377323.1).
Identifiers: ClinVar variation 179906 (VCV000179906.13), dbSNP rs377230358, ClinGen allele CA185399.